The following is an entry in ClinVar:

ClinVar aggregate classification (germline): Uncertain significance (1 of 4 stars; one submission).

Submission:

Labcorp Genetics (formerly Invitae), Labcorp
Classification: Uncertain significance. Last evaluated: 2023-03-16. Review status: criteria provided, single submitter. Criteria: Invitae Variant Classification Sherloc (09022015). Collection method: clinical testing. Allele origin: germline.
Comment: In summary, the available evidence is currently insufficient to determine the role of this variant in disease. Therefore, it has been classified as a Variant of Uncertain Significance. Advanced modeling of protein sequence and biophysical properties (such as structural, functional, and spatial information, amino acid conservation, physicochemical variation, residue mobility, and thermodynamic stability) performed at Invitae indicates that this missense variant is expected to disrupt KCNH1 protein function. This variant has not been reported in the literature in individuals affected with KCNH1-related conditions. This variant is not present in population databases (gnomAD no frequency). This sequence change replaces methionine, which is neutral and non-polar, with isoleucine, which is neutral and non-polar, at codon 70 of the KCNH1 protein (p.Met70Ile).

NM_172362.3(KCNH1):c.210G>C (p.Met70Ile)

Gene: KCNH1 (potassium voltage-gated channel subfamily H member 1; minus strand). Cytogenetic location: 1q32.2.
Variant type: single nucleotide variant.
Coding change: c.210G>C on transcript NM_172362.3 (MANE Select); coding-DNA position 210, G replaced by C.
Protein change: p.Met70Ile; replaces methionine 70 with isoleucine.
Molecular consequence: missense variant.
Genome position (GRCh38, 1-based): chr1:211,103,596, C>G on the plus strand (G>C on the coding strand, the complement: KCNH1 is on the minus strand). VCF-style: chr1-211103596-C-G. GRCh37 (hg19) VCF-style: chr1-211276938-C-G.
Other names: c.210G>C, p.Met70Ile (NM_002238.4); short protein forms M70I.
Identifiers: ClinVar variation 2846343 (VCV002846343.3), dbSNP rs2526835712, ClinGen allele CA344874029.